The following is an entry in ClinVar:

NM_000719.7(CACNA1C):c.5444+593G>T

Genes: CACNA1C (calcium voltage-gated channel subunit alpha1 C; plus strand), CACNA1C-AS1 (CACNA1C antisense RNA 1; minus strand). Cytogenetic location: 12p13.33.
Variant type: single nucleotide variant.
Coding change: c.5444+593G>T on transcript NM_000719.7 (MANE Select); 593 bases into the intron after coding-DNA position 5444, G replaced by T.
Molecular consequence: intron variant. On other transcripts: missense variant (1).
Genome position (GRCh38, 1-based): chr12:2,680,389, G>T. VCF-style: chr12-2680389-G-T. GRCh37 (hg19) VCF-style: chr12-2789555-G-T.
Other names: c.5438G>T, p.Gly1813Val (NM_001167625.2); c.5444+593G>T (NM_001167624.3, NM_001167623.2, NM_001129840.2 and 4 more transcripts); c.5588+593G>T (NM_199460.4, NM_001129827.2); c.5504+593G>T (NM_001129832.2); c.5528+593G>T (NM_001129831.2); c.5501+593G>T (NM_001129833.2, NM_001129834.2, NM_001129835.2); c.5567+593G>T (NM_001129829.2); c.5468+593G>T (NM_001129837.2, NM_001129838.2); and 4 more; short protein forms G1813V.
Identifiers: ClinVar variation 3370976 (VCV003370976.1).

ClinVar aggregate classification (germline): Uncertain significance (1 of 4 stars; one submission).

gnomAD v4.1: 14 of 1,558,318 alleles (0.0009%); highest among the groups gnomAD compares: Non-Finnish European, 0.0012%; no homozygotes.

Submission:

GeneDx
Classification: Uncertain significance. Last evaluated: 2024-03-18. Review status: criteria provided, single submitter. Criteria: GeneDx Variant Classification Process June 2021. Collection method: clinical testing. Allele origin: germline. Affected: yes.
Comment: In silico analysis supports that this variant does not alter splicing; Has not been previously published as pathogenic or benign to our knowledge; Reported using an alternate transcript of the gene